The following is an entry in ClinVar:

ClinVar aggregate classification (germline): Uncertain significance (1 of 4 stars; one submission).

Conditions:
Neutral lipid storage myopathy (NLSDM). Also called: NEUTRAL LIPID STORAGE DISEASE WITHOUT ICHTHYOSIS. Identifiers: Orphanet 98908, MedGen C1853136, MONDO:0012545, OMIM 610717.

Allele frequency attached by ClinVar (database versions not stated): gnomAD 0.00001; TOPMed 0.00001.

Submission:

Labcorp Genetics (formerly Invitae), Labcorp
Classification: Uncertain significance for Neutral lipid storage disease with myopathy. Last evaluated: 2019-04-24. Review status: criteria provided, single submitter. Criteria: Invitae Variant Classification Sherloc (09022015). Collection method: clinical testing. Allele origin: germline.
Comment: This sequence change replaces arginine with serine at codon 351 of the PNPLA2 protein (p.Arg351Ser). The arginine residue is highly conserved and there is a moderate physicochemical difference between arginine and serine. This variant is not present in population databases (ExAC no frequency). This variant has not been reported in the literature in individuals with PNPLA2-related conditions. Algorithms developed to predict the effect of missense changes on protein structure and function (SIFT, PolyPhen-2, Align-GVGD) all suggest that this variant is likely to be disruptive, but these predictions have not been confirmed by published functional studies and their clinical significance is uncertain. Algorithms developed to predict the effect of sequence changes on RNA splicing suggest that this variant may create or strengthen a splice site, but this prediction has not been confirmed by published transcriptional studies. In summary, the available evidence is currently insufficient to determine the role of this variant in disease. Therefore, it has been classified as a Variant of Uncertain Significance.

NM_020376.4(PNPLA2):c.1051C>A (p.Arg351Ser)

Gene: PNPLA2 (patatin like domain 2, triacylglycerol lipase; plus strand). Cytogenetic location: 11p15.5.
Variant type: single nucleotide variant.
Coding change: c.1051C>A on transcript NM_020376.4 (MANE Select); coding-DNA position 1051, C replaced by A.
Protein change: p.Arg351Ser; replaces arginine 351 with serine.
Molecular consequence: missense variant.
Genome position (GRCh38, 1-based): chr11:824,129, C>A. VCF-style: chr11-824129-C-A. GRCh37 (hg19) VCF-style: chr11-824129-C-A.
Other names: short protein forms R351S.
Identifiers: ClinVar variation 861881 (VCV000861881.1), dbSNP rs745382468, ClinGen allele CA216971471.